The following is an entry in ClinVar:

NM_002392.6(MDM2):c.955C>A (p.Pro319Thr)

Gene: MDM2 (MDM2 proto-oncogene; plus strand). Cytogenetic location: 12q15.
Variant type: single nucleotide variant.
Coding change: c.955C>A on transcript NM_002392.6 (MANE Select); coding-DNA position 955, C replaced by A.
Protein change: p.Pro319Thr; replaces proline 319 with threonine.
Molecular consequence: missense variant.
Genome position (GRCh38, 1-based): chr12:68,839,310, C>A. VCF-style: chr12-68839310-C-A. GRCh37 (hg19) VCF-style: chr12-69233090-C-A.
Other names: c.796C>A, p.Pro266Thr (NM_001145337.3); c.790C>A, p.Pro264Thr (NM_001145339.2); c.349C>A, p.Pro117Thr (NM_001145340.3); c.427C>A, p.Pro143Thr (NM_001278462.2); c.937C>A, p.Pro313Thr (NM_001367990.1); short protein forms P143T, P266T, P117T, P264T, P313T, P319T.
Identifiers: ClinVar variation 947873 (VCV000947873.10), dbSNP rs577942747, ClinGen allele CA6678839.

ClinVar aggregate classification (germline): Uncertain significance (1 of 4 stars; one submission).

Conditions:
Accelerated tumor formation, susceptibility to (ACTFS). Identifiers: MedGen C3280690, OMIM 614401, MONDO:0013733.

Allele frequency attached by ClinVar (database versions not stated): gnomAD 0.00001; 1000 Genomes Project 0.00020; TOPMed 0.00002; 1000 Genomes Project 30x 0.00016.

Submission:

Labcorp Genetics (formerly Invitae), Labcorp
Classification: Uncertain significance for Accelerated tumor formation, susceptibility to. Last evaluated: 2019-07-02. Review status: criteria provided, single submitter. Criteria: Invitae Variant Classification Sherloc (09022015). Collection method: clinical testing. Allele origin: germline.
Comment: In summary, the available evidence is currently insufficient to determine the role of this variant in disease. Therefore, it has been classified as a Variant of Uncertain Significance. Algorithms developed to predict the effect of missense changes on protein structure and function are either unavailable or do not agree on the potential impact of this missense change (SIFT: "Deleterious"; PolyPhen-2: "Probably Damaging"; Align-GVGD: "Class C0"). This variant has not been reported in the literature in individuals with MDM2-related conditions. This variant is present in population databases (rs577942747, ExAC 0.03%). This sequence change replaces proline with threonine at codon 319 of the MDM2 protein (p.Pro319Thr). The proline residue is highly conserved and there is a small physicochemical difference between proline and threonine.